The following is an entry in ClinVar:

ClinVar aggregate classification (germline): Uncertain significance. Review status: criteria provided, multiple submitters, no conflicts (2 of 4 stars). 2 submissions from 2 submitters: Uncertain significance (2). Last evaluated 2025-12-27.

Conditions:
Developmental and epileptic encephalopathy, 30 (DEE30). Also called: Epileptic encephalopathy, early infantile, 30. Identifiers: MedGen C4225360, MONDO:0014595, OMIM 616341.
Inborn genetic diseases. Identifiers: MedGen C0950123, MeSH D030342.

Submissions (2):

Labcorp Genetics (formerly Invitae), Labcorp
Classification: Uncertain significance for Developmental and epileptic encephalopathy, 30. Last evaluated: 2025-12-27. Review status: criteria provided, single submitter. Criteria: Invitae Variant Classification Sherloc (09022015). Collection method: clinical testing. Allele origin: germline.
Comment: This sequence change replaces proline, which is neutral and non-polar, with serine, which is neutral and polar, at codon 671 of the SIK1 protein (p.Pro671Ser). This variant is not present in population databases (gnomAD no frequency). This variant has not been reported in the literature in individuals affected with SIK1-related conditions. ClinVar contains an entry for this variant (Variation ID: 588103). Invitae Evidence Modeling of protein sequence and biophysical properties (such as structural, functional, and spatial information, amino acid conservation, physicochemical variation, residue mobility, and thermodynamic stability) indicates that this missense variant is not expected to disrupt SIK1 protein function with a negative predictive value of 95%. In summary, the available evidence is currently insufficient to determine the role of this variant in disease. Therefore, it has been classified as a Variant of Uncertain Significance.

Ambry Genetics
Classification: Uncertain significance for Inborn genetic diseases. Last evaluated: 2016-07-28. Review status: criteria provided, single submitter. Criteria: Ambry Variant Classification Scheme 2023. Collection method: clinical testing. Allele origin: germline.
Comment: The p.P671S variant (also known as c.2011C>T), located in coding exon 13 of the SIK1 gene, results from a C to T substitution at nucleotide position 2011. The proline at codon 671 is replaced by serine, an amino acid with similar properties. This variant was not reported in population based cohorts in the following databases: Database of Single Nucleotide Polymorphisms (dbSNP), NHLBI Exome Sequencing Project (ESP), and 1000 Genomes Project. In the ESP, this variant was not observed in 5556 samples (11112 alleles) with coverage at this position. This amino acid position is not well conserved in available vertebrate species. In addition, this alteration is predicted to be tolerated by in silico analysis. Since supporting evidence is limited at this time, the clinical significance of this alteration remains unclear.

NM_173354.5(SIK1):c.2011C>T (p.Pro671Ser)

Gene: SIK1 (salt inducible kinase 1; minus strand). Cytogenetic location: 21q22.3.
Variant type: single nucleotide variant.
Coding change: c.2011C>T on transcript NM_173354.5 (MANE Select); coding-DNA position 2011, C replaced by T.
Protein change: p.Pro671Ser; replaces proline 671 with serine.
Molecular consequence: missense variant.
Genome position (GRCh38, 1-based): chr21:43,417,083, G>A on the plus strand (C>T on the coding strand, the complement: SIK1 is on the minus strand). VCF-style: chr21-43417083-G-A. GRCh37 (hg19) VCF-style: chr21-44836963-G-A.
Other names: short protein forms P671S.
Identifiers: ClinVar variation 588103 (VCV000588103.6), dbSNP rs1403535677, ClinGen allele CA410606830.